The following is an entry in ClinVar:

NM_000038.6(APC):c.4124_4128del (p.His1375fs)

Gene: APC (APC regulator of Wnt signaling pathway; plus strand). Cytogenetic location: 5q22.2.
Variant type: Deletion.
Coding change: c.4124_4128del on transcript NM_000038.6 (MANE Select); coding-DNA positions 4124 to 4128, 5 bases deleted (ACTAT; older notation c.4124_4128delACTAT).
Protein change: p.His1375fs; shifts the reading frame from histidine 1375.
Molecular consequence: frameshift variant. On other transcripts: non-coding transcript variant (2).
Genome position (GRCh38, 1-based): chr5:112,839,718-112,839,722, ACTAT deleted. VCF-style (leftmost placement, unchanged base first): chr5-112839717-CACTAT-C. GRCh37 (hg19) VCF-style: chr5-112175414-CACTAT-C.
Other names: c.4124_4128del, p.His1375fs (NM_001127510.3, NM_001354895.2, NM_001407450.1); c.4070_4074del, p.His1357fs (NM_001127511.3); c.4178_4182del, p.His1393fs (NM_001354896.2, NM_001407447.1, NM_001407448.1 and 1 more transcripts); c.4154_4158del, p.His1385fs (NM_001354897.2); c.4049_4053del, p.His1350fs (NM_001354898.2); c.4040_4044del, p.His1347fs (NM_001354899.2); c.4001_4005del, p.His1334fs (NM_001354900.2); c.3947_3951del, p.His1316fs (NM_001354901.2, NM_001407453.1); and 11 more; short protein forms H1215fs, H1316fs, H1365fs, H1385fs, H1393fs, H1092fs, H1249fs, H1274fs.
Identifiers: ClinVar variation 2824368 (VCV002824368.3), dbSNP rs2533550310, ClinGen allele CA2739273275.

ClinVar aggregate classification (germline): Pathogenic (1 of 4 stars; one submission).

Conditions:
Familial adenomatous polyposis 1 (FAP1). Also called: POLYPOSIS, ADENOMATOUS INTESTINAL; FAMILIAL ADENOMATOUS POLYPOSIS 1, ATTENUATED. Identifiers: MedGen C2713442, MONDO:0021056, OMIM 175100. Disease mechanism: loss of function.

Submission:

Labcorp Genetics (formerly Invitae), Labcorp
Classification: Pathogenic for Familial adenomatous polyposis 1. Last evaluated: 2022-12-26. Review status: criteria provided, single submitter. Criteria: Invitae Variant Classification Sherloc (09022015). Collection method: clinical testing. Allele origin: germline.
Comment: For these reasons, this variant has been classified as Pathogenic. This sequence change creates a premature translational stop signal (p.His1375Argfs*9) in the APC gene. While this is not anticipated to result in nonsense mediated decay, it is expected to disrupt the last 1469 amino acid(s) of the APC protein. This variant is not present in population databases (gnomAD no frequency). This variant has not been reported in the literature in individuals affected with APC-related conditions. This variant disrupts a region of the APC protein in which other variant(s) (p.Tyr2645Lysfs*14) have been determined to be pathogenic (PMID: 1316610, 8381579, 9824584, 22135120, 27081525; Invitae). This suggests that this is a clinically significant region of the protein, and that variants that disrupt it are likely to be disease-causing.

Literature cited by the submitters: PubMed 1316610; PubMed 8381579; PubMed 9824584; PubMed 22135120; PubMed 27081525.